The following is an entry in ClinVar:

NM_000426.4(LAMA2):c.4436+18A>G

Gene: LAMA2 (laminin subunit alpha 2; plus strand). Cytogenetic location: 6q22.33.
Variant type: single nucleotide variant.
Coding change: c.4436+18A>G on transcript NM_000426.4 (MANE Select); 18 bases into the intron after coding-DNA position 4436, A replaced by G.
Molecular consequence: intron variant.
Genome position (GRCh38, 1-based): chr6:129,342,485, A>G. VCF-style: chr6-129342485-A-G. GRCh37 (hg19) VCF-style: chr6-129663630-A-G.
Other names: c.4436+18A>G (NM_001079823.2).
Identifiers: ClinVar variation 1599937 (VCV001599937.10), dbSNP rs184907128, ClinGen allele CA3993541.

ClinVar aggregate classification (germline): Benign. Review status: criteria provided, multiple submitters, no conflicts (2 of 4 stars). 2 submissions from 2 submitters: Benign (2). Last evaluated 2026-01-12.

Conditions:
LAMA2-related muscular dystrophy (LAMA2-RD). Also called: Laminin alpha 2-related dystrophy. Identifiers: MedGen C5679788, MONDO:0100228.

Allele frequency attached by ClinVar (database versions not stated): 1000 Genomes Project 0.00020; gnomAD exomes 0.00026 and 0.00058; TOPMed 0.00028; 1000 Genomes Project 30x 0.00031; ExAC 0.00053; gnomAD 0.00008.
gnomAD v4.1: 169 of 1,610,862 alleles (0.01%); highest among the groups gnomAD compares: Admixed American, 0.28%; no homozygotes.

Submissions (2):

Labcorp Genetics (formerly Invitae), Labcorp
Classification: Benign for LAMA2-related muscular dystrophy. Last evaluated: 2026-01-12. Review status: criteria provided, single submitter. Criteria: Invitae Variant Classification Sherloc (09022015). Collection method: clinical testing. Allele origin: germline.

Women's Health and Genetics/Laboratory Corporation of America, LabCorp
Classification: Benign. Last evaluated: 2022-05-20. Review status: criteria provided, single submitter. Criteria: LabCorp Variant Classification Summary - May 2015. Collection method: clinical testing. Allele origin: germline.
Comment: Variant summary: LAMA2 c.4436+18A>G alters a non-conserved nucleotide located close to a canonical splice site and therefore could affect mRNA splicing, leading to an altered protein sequence. 4/4 computational tools predict no significant impact on normal splicing. However, these predictions have yet to be confirmed by functional studies. The variant allele was found at a frequency of 0.00058 in 249650 control chromosomes, predominantly at a frequency of 0.0041 within the Latino subpopulation in the gnomAD database. The observed variant frequency within Latino control individuals in the gnomAD database is approximately 1.83 fold of the estimated maximal expected allele frequency for a pathogenic variant in LAMA2 causing Laminin Alpha 2-Related Dystrophy phenotype (0.0022), strongly suggesting that the variant is a benign polymorphism found primarily in populations of Latino origin. To our knowledge, no occurrence of c.4436+18A>G in individuals affected with Laminin Alpha 2-Related Dystrophy and no experimental evidence demonstrating its impact on protein function have been reported. One clinical diagnostic laboratory has submitted clinical-significance assessments for this variant to ClinVar after 2014 and classified the variant as benign. Based on the evidence outlined above, the variant was classified as benign.